The following is an entry in ClinVar:

ClinVar aggregate classification (germline): Likely benign. Review status: criteria provided, multiple submitters, no conflicts (2 of 4 stars). 3 submissions from 3 submitters: Likely benign (2). 1 of the submissions does not count toward it. Last evaluated 2018-06-13.

Conditions:
DNAH6-related disorder. Also called: DNAH6-related condition.

Allele frequency attached by ClinVar (database versions not stated): 1000 Genomes Project 0.00060; 1000 Genomes Project 30x 0.00109; ExAC 0.00156; gnomAD exomes 0.00187 and 0.00392; TOPMed 0.00216; gnomAD 0.00229 and 0.00240; ESP Exome Variant Server 0.00329.
gnomAD v4.1: 5,795 of 1,551,746 alleles (0.37%); highest among the groups gnomAD compares: Non-Finnish European, 0.47%; 20 homozygotes.

Submissions (3):

Labcorp Genetics (formerly Invitae), Labcorp
Classification: Likely benign. Last evaluated: 2018-06-13. Review status: criteria provided, single submitter. Criteria: Invitae Variant Classification Sherloc (09022015). Collection method: clinical testing. Allele origin: germline.

Breakthrough Genomics
Classification: Likely benign. Review status: criteria provided, single submitter. Criteria: ACMG Guidelines, 2015. Collection method: not provided. Allele origin: germline. Inheritance: Unknown mechanism. Affected: yes.

PreventionGenetics, part of Exact Sciences
Classification: Likely benign for DNAH6-related condition. Last evaluated: 2020-09-30. Review status: no assertion criteria provided. Collection method: clinical testing. Allele origin: germline. Not counted in ClinVar's aggregate classification.
Comment: This variant is classified as likely benign based on ACMG/AMP sequence variant interpretation guidelines (Richards et al. 2015 PMID: 25741868, with internal and published modifications).

NM_001370.2(DNAH6):c.9436A>G (p.Ser3146Gly)

Gene: DNAH6 (dynein axonemal heavy chain 6; plus strand). Cytogenetic location: 2p11.2.
Variant type: single nucleotide variant.
Coding change: c.9436A>G on transcript NM_001370.2 (MANE Select); coding-DNA position 9436, A replaced by G.
Protein change: p.Ser3146Gly; replaces serine 3146 with glycine.
Molecular consequence: missense variant.
Genome position (GRCh38, 1-based): chr2:84,713,152, A>G. VCF-style: chr2-84713152-A-G. GRCh37 (hg19) VCF-style: chr2-84940276-A-G.
Other names: short protein forms S3146G.
Identifiers: ClinVar variation 719231 (VCV000719231.6), dbSNP rs72832548, ClinGen allele CA1737604.